The following is an entry in ClinVar:

NM_000051.4(ATM):c.1020C>A (p.Ala340=)

Gene: ATM (ATM serine/threonine kinase; plus strand). Cytogenetic location: 11q22.3.
Variant type: single nucleotide variant.
Coding change: c.1020C>A on transcript NM_000051.4 (MANE Select); coding-DNA position 1020, C replaced by A.
Protein change: p.Ala340=; no amino-acid change (alanine 340 retained).
Molecular consequence: synonymous variant.
Genome position (GRCh38, 1-based): chr11:108,247,082, C>A. VCF-style: chr11-108247082-C-A. GRCh37 (hg19) VCF-style: chr11-108117809-C-A.
Other names: c.1020C>A, p.Ala340= (NM_001351834.2).
Identifiers: ClinVar variation 135730 (VCV000135730.43), dbSNP rs546927781, ClinGen allele CA189304.

ClinVar aggregate classification (germline): Conflicting classifications of pathogenicity. Review status: criteria provided, conflicting classifications (1 of 4 stars). 13 submissions from 13 submitters: Uncertain significance (1); Benign (4); Likely benign (7). 1 of the submissions does not count toward it. Last evaluated 2026-01-20.

Conditions:
ATM-related cancer predisposition. Also called: ATM-related cancer susceptibility. Identifiers: MedGen CN377759, MONDO:0700270.
Hereditary cancer-predisposing syndrome. Also called: Tumor predisposition; Hereditary neoplastic syndrome; Hereditary Cancer Syndrome; Neoplastic Syndromes, Hereditary. Identifiers: Orphanet 140162, MedGen C0027672, MeSH D009386, MONDO:0015356.
Familial cancer of breast. Also called: Hereditary breast cancer; hereditary breast carcinoma; BREAST CANCER, FAMILIAL. Identifiers: Orphanet 227535, MedGen C0346153, MONDO:0016419, OMIM 114480. Disease mechanism: loss of function.
Ataxia-telangiectasia syndrome (AT). Also called: ATAXIA-TELANGIECTASIA, COMPLEMENTATION GROUP A; ATAXIA-TELANGIECTASIA, FRESNO VARIANT; Ataxia-telangiectasia; Ataxia-telangiectasia, complementation group D; AT, COMPLEMENTATION GROUP C; Ataxia-telangiectasia, complementation group E. Identifiers: Orphanet 100, MedGen C0004135, MONDO:0008840, OMIM 208900.

Allele frequency attached by ClinVar (database versions not stated): 1000 Genomes Project 30x 0.00016; 1000 Genomes Project 0.00020.
gnomAD v4.1: 161 of 1,613,642 alleles (0.01%); highest among the groups gnomAD compares: South Asian, 0.17%; 4 homozygotes.

Submissions (13):

Labcorp Genetics (formerly Invitae), Labcorp
Classification: Benign for Ataxia-telangiectasia syndrome. Last evaluated: 2026-01-20. Review status: criteria provided, single submitter. Criteria: Invitae Variant Classification Sherloc (09022015). Collection method: clinical testing. Allele origin: germline.

ARUP Laboratories, Molecular Genetics and Genomics, ARUP Laboratories
Classification: Benign. Last evaluated: 2025-07-24. Review status: criteria provided, single submitter. Criteria: ARUP Molecular Germline Variant Investigation Process 2024. Collection method: clinical testing. Allele origin: germline.

Institute for Biomarker Research, Medical Diagnostic Laboratories, L.L.C.
Classification: Benign for Hereditary cancer-predisposing syndrome. Last evaluated: 2025-01-03. Review status: criteria provided, single submitter. Criteria: ACMG Guidelines, 2015. Collection method: clinical testing. Allele origin: germline.
Comment: The synonymous variant NM_000051.4(ATM):c.1020C>A (p.Ala340=) has been reported to ClinVar as Benign/Likely benign with a status of (2 stars) criteria provided, multiple submitters, no conflicts (Variation ID 135730 as of 2024-12-05). The variant is observed in one or more well-documented healthy adults. The p.Ala340= variant is not predicted to disrupt an existing splice site.The p.Ala340= variant results in a substitution of a base that is not predicted conserved by GERP++ and PhyloP. For these reasons, this variant has been classified as Benign

CeGaT Center for Human Genetics Tuebingen
Classification: Likely benign. Last evaluated: 2024-09-01. Review status: criteria provided, single submitter. Criteria: CeGaT Center For Human Genetics Tuebingen Variant Classification Criteria Version 2. Collection method: clinical testing. Allele origin: germline. Affected: yes. Observed: 1 variant allele.
Comment: ATM: BP4, BP7

Blueprint Genetics
Classification: Likely benign. Last evaluated: 2024-08-29. Review status: criteria provided, single submitter. Criteria: ACMG Guidelines, 2015. Collection method: clinical testing. Allele origin: germline.

Myriad Genetics, Inc.
Classification: Benign for Familial cancer of breast. Last evaluated: 2024-04-24. Review status: criteria provided, single submitter. Criteria: Myriad Autosomal Dominant, Autosomal Recessive and X-Linked Classification Criteria (2023). Collection method: clinical testing. Allele origin: unknown.
Comment: This variant is considered benign. This variant is a silent/synonymous amino acid change and it is not expected to impact splicing.

Department of Pathology and Laboratory Medicine, Sinai Health System
Classification: Uncertain significance for ATM-related cancer predisposition. Last evaluated: 2023-12-22. Review status: criteria provided, single submitter. Criteria: ACMG Guidelines, 2015. Collection method: clinical testing. Allele origin: germline. Affected: no.

Women's Health and Genetics/Laboratory Corporation of America, LabCorp
Classification: Likely benign. Last evaluated: 2021-01-29. Review status: criteria provided, single submitter. Criteria: LabCorp Variant Classification Summary - May 2015. Collection method: clinical testing. Allele origin: germline.

Sema4
Classification: Likely benign for Hereditary cancer-predisposing syndrome. Last evaluated: 2021-01-27. Review status: criteria provided, single submitter. Criteria: Sema4 Curation Guidelines. Collection method: curation. Allele origin: germline.

GeneDx
Classification: Likely benign. Last evaluated: 2019-08-14. Review status: criteria provided, single submitter. Criteria: GeneDx Variant Classification Process June 2021. Collection method: clinical testing. Allele origin: germline. Affected: yes.
Comment: This variant is associated with the following publications: (PMID: 11606401)

Color Diagnostics, LLC DBA Color Health
Classification: Likely benign for Hereditary cancer-predisposing syndrome. Last evaluated: 2015-08-13. Review status: criteria provided, single submitter. Criteria: ACMG Guidelines, 2015. Collection method: clinical testing. Allele origin: germline.

Ambry Genetics
Classification: Likely benign for Hereditary cancer-predisposing syndrome. Last evaluated: 2015-01-08. Review status: criteria provided, single submitter. Criteria: Ambry Variant Classification Scheme 2023. Collection method: clinical testing. Allele origin: germline.

Counsyl
Classification: Likely benign for Ataxia-telangiectasia syndrome. Last evaluated: 2017-02-28. Review status: no assertion criteria provided. Collection method: clinical testing. Allele origin: unknown. Not counted in ClinVar's aggregate classification.

Literature cited by the submitters: PubMed 11606401 (cited by Department of Pathology and Laboratory Medicine, Sinai Health System and Women's Health and Genetics/Laboratory Corporation of America, LabCorp).